The following is an entry in ClinVar:

ClinVar aggregate classification (germline): Uncertain significance. Review status: criteria provided, single submitter (1 of 4 stars). 2 submissions from 2 submitters: Uncertain significance (1). 1 of the submissions does not count toward it. Last evaluated 2021-03-29.

Conditions:
Cohen syndrome (COH1). Also called: PEPPER SYNDROME; Cutis verticis gyrata, retinitis pigmentosa, and sensorineural deafness. Identifiers: Orphanet 193, MedGen C0265223, MONDO:0008999, OMIM 216550.

Submissions (2):

Labcorp Genetics (formerly Invitae), Labcorp
Classification: Uncertain significance for Cohen syndrome. Last evaluated: 2021-03-29. Review status: criteria provided, single submitter. Criteria: Invitae Variant Classification Sherloc (09022015). Collection method: clinical testing. Allele origin: germline.
Comment: In summary, the available evidence is currently insufficient to determine the role of this variant in disease. Therefore, it has been classified as a Variant of Uncertain Significance. Algorithms developed to predict the effect of missense changes on protein structure and function are either unavailable or do not agree on the potential impact of this missense change (SIFT: "Not Available"; PolyPhen-2: "Possibly Damaging"; Align-GVGD: "Not Available"). This variant has not been reported in the literature in individuals with VPS13B-related conditions. This variant is not present in population databases (ExAC no frequency). This sequence change replaces glutamic acid with lysine at codon 2679 of the VPS13B protein (p.Glu2679Lys). The glutamic acid residue is moderately conserved and there is a small physicochemical difference between glutamic acid and lysine.

Natera, Inc.
Classification: Uncertain significance for Cohen syndrome. Last evaluated: 2025-02-03. Review status: no assertion criteria provided. Collection method: clinical testing. Allele origin: germline. Not counted in ClinVar's aggregate classification.

NM_152564.5(VPS13B):c.7960G>A (p.Glu2654Lys)

Gene: VPS13B (vacuolar protein sorting 13 homolog B; plus strand). Cytogenetic location: 8q22.2.
Variant type: single nucleotide variant.
Coding change: c.7960G>A on transcript NM_152564.5 (MANE Select); coding-DNA position 7960, G replaced by A.
Protein change: p.Glu2654Lys; replaces glutamic acid 2654 with lysine.
Molecular consequence: missense variant.
Genome position (GRCh38, 1-based): chr8:99,809,393, G>A. VCF-style: chr8-99809393-G-A. GRCh37 (hg19) VCF-style: chr8-100821621-G-A.
Other names: c.8035G>A (NM_017890.4); c.8035G>A, p.Glu2679Lys (NM_017890.5); short protein forms E2654K, E2679K.
Identifiers: ClinVar variation 1482859 (VCV001482859.7), dbSNP rs2130785652, ClinGen allele CA371769541.